The following is an entry in ClinVar:

NM_001367561.1(DOCK7):c.2471T>G (p.Ile824Ser)

Gene: DOCK7 (dedicator of cytokinesis 7; minus strand). Cytogenetic location: 1p31.3.
Variant type: single nucleotide variant.
Coding change: c.2471T>G on transcript NM_001367561.1 (MANE Select); coding-DNA position 2471, T replaced by G.
Protein change: p.Ile824Ser; replaces isoleucine 824 with serine.
Molecular consequence: missense variant.
Genome position (GRCh38, 1-based): chr1:62,555,950, A>C on the plus strand (T>G on the coding strand, the complement: DOCK7 is on the minus strand). VCF-style: chr1-62555950-A-C. GRCh37 (hg19) VCF-style: chr1-63021621-A-C.
Other names: c.2471T>G, p.Ile824Ser (NM_001271999.2, NM_001272000.2, NM_001272001.2 and 2 more transcripts); short protein forms I824S.
Identifiers: ClinVar variation 2095611 (VCV002095611.4), dbSNP rs35400360, ClinGen allele CA340623668.

ClinVar aggregate classification (germline): Uncertain significance (1 of 4 stars; one submission).

Conditions:
Developmental and epileptic encephalopathy, 23 (DEE23). Also called: Epileptic encephalopathy, early infantile, 23. Identifiers: Orphanet 411986, MedGen C4014492, MONDO:0014371, OMIM 615859.

gnomAD v4.1: 5 of 1,613,736 alleles (0.00031%); highest among the groups gnomAD compares: Non-Finnish European, 0.00042%; no homozygotes.

Submission:

Labcorp Genetics (formerly Invitae), Labcorp
Classification: Uncertain significance for Developmental and epileptic encephalopathy, 23. Last evaluated: 2022-11-22. Review status: criteria provided, single submitter. Criteria: Invitae Variant Classification Sherloc (09022015). Collection method: clinical testing. Allele origin: germline.
Comment: This sequence change replaces isoleucine, which is neutral and non-polar, with serine, which is neutral and polar, at codon 824 of the DOCK7 protein (p.Ile824Ser). This variant is present in population databases (no rsID available, gnomAD 0.0009%). This variant has not been reported in the literature in individuals affected with DOCK7-related conditions. Advanced modeling of protein sequence and biophysical properties (such as structural, functional, and spatial information, amino acid conservation, physicochemical variation, residue mobility, and thermodynamic stability) has been performed at Invitae for this missense variant, however the output from this modeling did not meet the statistical confidence thresholds required to predict the impact of this variant on DOCK7 protein function. In summary, the available evidence is currently insufficient to determine the role of this variant in disease. Therefore, it has been classified as a Variant of Uncertain Significance.